The following is an entry in ClinVar:

NM_004526.4(MCM2):c.1207G>A (p.Val403Met)

Gene: MCM2 (minichromosome maintenance complex component 2; plus strand). Cytogenetic location: 3q21.3.
Variant type: single nucleotide variant.
Coding change: c.1207G>A on transcript NM_004526.4 (MANE Select); coding-DNA position 1207, G replaced by A.
Protein change: p.Val403Met; replaces valine 403 with methionine.
Molecular consequence: missense variant. On other transcripts: non-coding transcript variant (1).
Genome position (GRCh38, 1-based): chr3:127,608,487, G>A. VCF-style: chr3-127608487-G-A. GRCh37 (hg19) VCF-style: chr3-127327330-G-A.
Other names: short protein forms V403M.
Identifiers: ClinVar variation 2050250 (VCV002050250.4), dbSNP rs2473284455, ClinGen allele CA354386459.

ClinVar aggregate classification (germline): Uncertain significance (1 of 4 stars; one submission).

gnomAD v4.1: 2 of 1,614,232 alleles (0.00012%); highest among the groups gnomAD compares: Non-Finnish European, 0.00017%; no homozygotes.

Submission:

Labcorp Genetics (formerly Invitae), Labcorp
Classification: Uncertain significance. Last evaluated: 2022-01-26. Review status: criteria provided, single submitter. Criteria: Invitae Variant Classification Sherloc (09022015). Collection method: clinical testing. Allele origin: germline.
Comment: This variant is not present in population databases (gnomAD no frequency). In summary, the available evidence is currently insufficient to determine the role of this variant in disease. Therefore, it has been classified as a Variant of Uncertain Significance. Algorithms developed to predict the effect of missense changes on protein structure and function are either unavailable or do not agree on the potential impact of this missense change (SIFT: "Deleterious"; PolyPhen-2: "Possibly Damaging"; Align-GVGD: "Class C0"). This variant has not been reported in the literature in individuals affected with MCM2-related conditions. This sequence change replaces valine, which is neutral and non-polar, with methionine, which is neutral and non-polar, at codon 403 of the MCM2 protein (p.Val403Met).